The following is an entry in ClinVar:

ClinVar aggregate classification (germline): Likely benign. Review status: criteria provided, single submitter (1 of 4 stars). 2 submissions from 1 submitter: Likely benign (2). Last evaluated 2018-01-13.

Conditions:
Susceptibility to mononeuropathy of the median nerve, mild. Also called: CARPAL TUNNEL SYNDROME, SUSCEPTIBILITY TO. Identifiers: MedGen C3150596, MONDO:0013237, OMIM 613353.
Charcot-Marie-Tooth disease type 4C (CMT4C). Also called: CHARCOT-MARIE-TOOTH DISEASE, DEMYELINATING, AUTOSOMAL RECESSIVE, TYPE 4C; CMT 4C; Charcot-Marie-Tooth Neuropathy Type 4C (CMT4C); CHARCOT-MARIE-TOOTH DISEASE, DEMYELINATING, TYPE 4C; SH3TC2-Related Hereditary Motor and Sensory Neuropathy. Identifiers: Orphanet 99949, MedGen C1866636, MONDO:0011113, OMIM 601596.

Allele frequency attached by ClinVar (database versions not stated): gnomAD 0.00044 and 0.00064; TOPMed 0.00075; 1000 Genomes Project 30x 0.00219; 1000 Genomes Project 0.00260.
gnomAD v4.1: 96 of 152,224 alleles (0.063%); highest among the groups gnomAD compares: East Asian, 1.8%; no homozygotes.

Submissions (2):

Illumina Laboratory Services, Illumina
Classification: Likely benign for Charcot-Marie-Tooth disease type 4C. Last evaluated: 2018-01-13. Review status: criteria provided, single submitter. Criteria: ICSL Variant Classification Criteria 13 December 2019. Collection method: clinical testing. Allele origin: germline.
Comment: This variant was observed in the ICSL laboratory as part of a predisposition screen in an ostensibly healthy population. It had not been previously curated by ICSL or reported in the Human Gene Mutation Database (HGMD: prior to June 1st, 2018), and was therefore a candidate for classification through an automated scoring system. Utilizing variant allele frequency, disease prevalence and penetrance estimates, and inheritance mode, an automated score was calculated to assess if this variant is too frequent to cause the disease. Based on the score and internal cut-off values, a variant classified as likely benign is not then subjected to further curation. The score for this variant resulted in a classification of likely benign for this disease.

Illumina Laboratory Services, Illumina
Classification: Likely benign for Susceptibility to mononeuropathy of the median nerve, mild. Last evaluated: 2018-01-13. Review status: criteria provided, single submitter. Criteria: ICSL Variant Classification Criteria 13 December 2019. Collection method: clinical testing. Allele origin: germline.
Comment: the same text as in the submission from Illumina Laboratory Services, Illumina above.

NM_024577.4(SH3TC2):c.*7939C>A

Gene: SH3TC2 (SH3 domain and tetratricopeptide repeats 2; minus strand). Cytogenetic location: 5q32.
Variant type: single nucleotide variant.
Coding change: c.*7939C>A on transcript NM_024577.4 (MANE Select); 7939 bases downstream of the stop codon, C replaced by A.
Molecular consequence: 3 prime UTR variant.
Genome position (GRCh38, 1-based): chr5:148,996,772, G>T on the plus strand (C>A on the coding strand, the complement: SH3TC2 is on the minus strand). VCF-style: chr5-148996772-G-T. GRCh37 (hg19) VCF-style: chr5-148376335-G-T.
Identifiers: ClinVar variation 351764 (VCV000351764.5), dbSNP rs144288040, ClinGen allele CA10623417.
Genomic context (GRCh38, chr5:148,996,772, plus strand): 5'-CAGAAGTTCTCTATGTGCAAGAAAGTTCAATAACCAAAAAAGTCACCTTCACACATATTT[G>T]GCCCGTGCAAGGAAGATCAAGTAGCTGAGAGTCATACAGATCATGTTTAACTATGGTCCG-3'